The following is an entry in ClinVar:

NM_001377.3(DYNC2H1):c.2558T>C (p.Val853Ala)

Gene: DYNC2H1 (dynein cytoplasmic 2 heavy chain 1; plus strand). Cytogenetic location: 11q22.3.
Variant type: single nucleotide variant.
Coding change: c.2558T>C on transcript NM_001377.3 (MANE Select); coding-DNA position 2558, T replaced by C.
Protein change: p.Val853Ala; replaces valine 853 with alanine.
Molecular consequence: missense variant.
Genome position (GRCh38, 1-based): chr11:103,135,932, T>C. VCF-style: chr11-103135932-T-C. GRCh37 (hg19) VCF-style: chr11-103006661-T-C.
Other names: c.2558T>C, p.Val853Ala (NM_001080463.2); short protein forms V853A.
Identifiers: ClinVar variation 1495596 (VCV001495596.4), dbSNP rs1859514020, ClinGen allele CA382261005.
Genomic context (GRCh38, chr11:103,135,932, plus strand): 5'-CAAGTGGATTTTTGACGATTTTCAGCAAAGCAGAAGATCTGTTTAGAAGATTGTCAGCTG[T>C]TTTACACCAACATAAGGTATAGAACATGTAATGTTCCATCCTTCCATCATAAAATTATTT-3'
Protein context (NP_001368.2, residues 843-863): AEDLFRRLSA[Val853Ala]LHQHKEWIVI

ClinVar aggregate classification (germline): Uncertain significance. Review status: criteria provided, multiple submitters, no conflicts (2 of 4 stars). 2 submissions from 2 submitters: Uncertain significance (2). Last evaluated 2024-05-24.

Conditions:
Jeune thoracic dystrophy. Also called: Short-rib thoracic dysplasia; Jeune syndrome; Infantile thoracic dystrophy; Thoracic pelvic phalangeal dystrophy; Jeune's syndrome; Chondroectodermal dysplasia-like syndrome. Identifiers: Orphanet 474, MedGen C0265275, MONDO:0018770.

Allele frequency attached by ClinVar (database versions not stated): TOPMed below 0.00001.

Submissions (2):

Blueprint Genetics
Classification: Uncertain significance. Last evaluated: 2024-05-24. Review status: criteria provided, single submitter. Criteria: ACMG Guidelines, 2015. Collection method: clinical testing. Allele origin: germline.

Labcorp Genetics (formerly Invitae), Labcorp
Classification: Uncertain significance for Jeune thoracic dystrophy. Last evaluated: 2022-01-12. Review status: criteria provided, single submitter. Criteria: Invitae Variant Classification Sherloc (09022015). Collection method: clinical testing. Allele origin: germline.
Comment: This sequence change replaces valine, which is neutral and non-polar, with alanine, which is neutral and non-polar, at codon 853 of the DYNC2H1 protein (p.Val853Ala). This variant is not present in population databases (gnomAD no frequency). This variant has not been reported in the literature in individuals affected with DYNC2H1-related conditions. Advanced modeling of protein sequence and biophysical properties (such as structural, functional, and spatial information, amino acid conservation, physicochemical variation, residue mobility, and thermodynamic stability) performed at Invitae indicates that this missense variant is not expected to disrupt DYNC2H1 protein function. In summary, the available evidence is currently insufficient to determine the role of this variant in disease. Therefore, it has been classified as a Variant of Uncertain Significance.